The following is an entry in ClinVar:

ClinVar aggregate classification (germline): Uncertain significance. Review status: criteria provided, multiple submitters, no conflicts (2 of 4 stars). 3 submissions from 3 submitters: Uncertain significance (3). Last evaluated 2026-08-11.

Conditions:
DICER1-related tumor predisposition. Also called: DICER1 syndrome; DICER1-related pleuropulmonary blastoma cancer predisposition syndrome. Identifiers: Orphanet 284343, MedGen C3839822, MONDO:0100216.
Hereditary cancer-predisposing syndrome. Also called: Neoplastic Syndromes, Hereditary; Hereditary Cancer Syndrome; Hereditary neoplastic syndrome; Tumor predisposition. Identifiers: Orphanet 140162, MedGen C0027672, MeSH D009386, MONDO:0015356.

Submissions (3):

Ambry Genetics
Classification: Uncertain significance for Hereditary cancer-predisposing syndrome. Last evaluated: 2026-08-11. Review status: criteria provided, single submitter. Criteria: Ambry Variant Classification Scheme 2023. Collection method: clinical testing. Allele origin: germline.
Comment: The p.N628T variant (also known as c.1883A>C), located in coding exon 10 of the DICER1 gene, results from an A to C substitution at nucleotide position 1883. The asparagine at codon 628 is replaced by threonine, an amino acid with similar properties. This amino acid position is highly conserved in available vertebrate species. In addition, this alteration is predicted to be tolerated by in silico analysis. Based on the available evidence, the clinical significance of this variant remains unclear.

GeneDx
Classification: Uncertain significance. Last evaluated: 2024-07-15. Review status: criteria provided, single submitter. Criteria: GeneDx Variant Classification Process June 2021. Collection method: clinical testing. Allele origin: germline. Affected: yes.
Comment: Not observed at significant frequency in large population cohorts (gnomAD); In silico analysis indicates that this missense variant does not alter protein structure/function; Has not been previously published as pathogenic or benign to our knowledge

St. Jude Molecular Pathology, St. Jude Children's Research Hospital
Classification: Uncertain significance for DICER1-related tumor predisposition. Last evaluated: 2020-09-16. Review status: criteria provided, single submitter. Criteria: St. Jude Assertion Criteria 2020. Collection method: clinical testing. Allele origin: germline.

NM_177438.3(DICER1):c.1883A>C (p.Asn628Thr)

Gene: DICER1 (dicer 1, ribonuclease III; minus strand). Cytogenetic location: 14q32.13.
Variant type: single nucleotide variant.
Coding change: c.1883A>C on transcript NM_177438.3 (MANE Select); coding-DNA position 1883, A replaced by C.
Protein change: p.Asn628Thr; replaces asparagine 628 with threonine.
Molecular consequence: missense variant.
Genome position (GRCh38, 1-based): chr14:95,115,691, T>G on the plus strand (A>C on the coding strand, the complement: DICER1 is on the minus strand). VCF-style: chr14-95115691-T-G. GRCh37 (hg19) VCF-style: chr14-95582028-T-G.
Other names: c.1883A>C, p.Asn628Thr (NM_001195573.1, NM_001271282.3, NM_001291628.2 and 1 more transcripts); short protein forms N628T.
Identifiers: ClinVar variation 620596 (VCV000620596.6), dbSNP rs756051157, ClinGen allele CA390883928.
Genomic context (GRCh38, chr14:95,115,691, plus strand): 5'-TCCCAGGTTTTCCACACAAATGATATGATGCCATACCTATTGATGTGTCCAATGGCCGTG[T>G]TGATTGTGACTCGTGGACCACCATCGTCAGGCCTCAACACATATGGTGGGAAAACGTCAT-3'
Protein context (NP_803187.1, residues 618-638): PDDGGPRVTI[Asn628Thr]TAIGHINRYC